The following is an entry in ClinVar:

NM_153240.5(NPHP3):c.3560A>G (p.Tyr1187Cys)

Genes: NPHP3 (nephrocystin 3; minus strand), NPHP3-ACAD11 (NPHP3-ACAD11 readthrough (NMD candidate); minus strand). Cytogenetic location: 3q22.1.
Variant type: single nucleotide variant.
Coding change: c.3560A>G on transcript NM_153240.5 (MANE Select); coding-DNA position 3560, A replaced by G.
Protein change: p.Tyr1187Cys; replaces tyrosine 1187 with cysteine.
Molecular consequence: missense variant. On other transcripts: non-coding transcript variant (1).
Genome position (GRCh38, 1-based): chr3:132,684,564, T>C on the plus strand (A>G on the coding strand, the complement: NPHP3 is on the minus strand). VCF-style: chr3-132684564-T-C. GRCh37 (hg19) VCF-style: chr3-132403408-T-C.
Other names: short protein forms Y1187C.
Identifiers: ClinVar variation 1943574 (VCV001943574.5), dbSNP rs774889708, ClinGen allele CA354578741.

ClinVar aggregate classification (germline): Uncertain significance (1 of 4 stars; one submission).

Conditions:
Nephronophthisis. Also called: Juvenile Nephronophthisis. Identifiers: Orphanet 655, MedGen C0687120, MONDO:0019005, HP:0000090.

gnomAD v4.1: 4 of 1,614,032 alleles (0.00025%); highest among the groups gnomAD compares: Admixed American, 0.0033%; no homozygotes.

Submission:

Labcorp Genetics (formerly Invitae), Labcorp
Classification: Uncertain significance for Nephronophthisis. Last evaluated: 2024-02-24. Review status: criteria provided, single submitter. Criteria: Invitae Variant Classification Sherloc (09022015). Collection method: clinical testing. Allele origin: germline.
Comment: This sequence change replaces tyrosine, which is neutral and polar, with cysteine, which is neutral and slightly polar, at codon 1187 of the NPHP3 protein (p.Tyr1187Cys). This variant is present in population databases (no rsID available, gnomAD 0.003%). This variant has not been reported in the literature in individuals affected with NPHP3-related conditions. ClinVar contains an entry for this variant (Variation ID: 1943574). Advanced modeling of protein sequence and biophysical properties (such as structural, functional, and spatial information, amino acid conservation, physicochemical variation, residue mobility, and thermodynamic stability) has been performed at Invitae for this missense variant, however the output from this modeling did not meet the statistical confidence thresholds required to predict the impact of this variant on NPHP3 protein function. In summary, the available evidence is currently insufficient to determine the role of this variant in disease. Therefore, it has been classified as a Variant of Uncertain Significance.